The following is an entry in ClinVar:

NC_000003.12:g.(10041711_10042558)_(10043865_10046579)dup

Gene: FANCD2 (FA complementation group D2; plus strand). Cytogenetic location: 3p25.3.
Variant type: Duplication.
Identifiers: ClinVar variation 929647 (VCV000929647.1).

ClinVar aggregate classification (germline): Pathogenic (0 of 4 stars; one submission).

Conditions:
Fanconi anemia complementation group D2. Also called: FANCD2-Related Fanconi Anemia; FANCONI PANCYTOPENIA, TYPE 4; FANCONI ANEMIA, COMPLEMENTATION GROUP D. Identifiers: Orphanet 84, MedGen C3160738, MONDO:0009214, OMIM 227646.

Submission:

Leiden Open Variation Database
Classification: Pathogenic for Fanconi anemia complementation group D2. Last evaluated: 2020-02-28. Review status: no assertion criteria provided. Collection method: curation. Allele origin: germline. Affected: yes.
Comment: Curator: Arleen D. Auerbach. Submitter to LOVD: Arleen D. Auerbach.

Literature cited by the submitters: PubMed 17436244.